The following is an entry in ClinVar:

NM_000338.3(SLC12A1):c.1711A>G (p.Ile571Val)

Gene: SLC12A1 (solute carrier family 12 member 1; plus strand). Cytogenetic location: 15q21.1.
Variant type: single nucleotide variant.
Coding change: c.1711A>G on transcript NM_000338.3 (MANE Select); coding-DNA position 1711, A replaced by G.
Protein change: p.Ile571Val; replaces isoleucine 571 with valine.
Molecular consequence: missense variant.
Genome position (GRCh38, 1-based): chr15:48,249,601, A>G. VCF-style: chr15-48249601-A-G. GRCh37 (hg19) VCF-style: chr15-48541798-A-G.
Other names: c.1711A>G, p.Ile571Val (NM_001184832.2, NM_001384136.1); short protein forms I571V.
Identifiers: ClinVar variation 2112180 (VCV002112180.4), dbSNP rs2505093899, ClinGen allele CA392313202.

ClinVar aggregate classification (germline): Uncertain significance (1 of 4 stars; one submission).

Submission:

Labcorp Genetics (formerly Invitae), Labcorp
Classification: Uncertain significance. Last evaluated: 2022-04-22. Review status: criteria provided, single submitter. Criteria: Invitae Variant Classification Sherloc (09022015). Collection method: clinical testing. Allele origin: germline.
Comment: This sequence change replaces isoleucine, which is neutral and non-polar, with valine, which is neutral and non-polar, at codon 571 of the SLC12A1 protein (p.Ile571Val). This variant is not present in population databases (gnomAD no frequency). This variant has not been reported in the literature in individuals affected with SLC12A1-related conditions. Algorithms developed to predict the effect of missense changes on protein structure and function (SIFT, PolyPhen-2, Align-GVGD) all suggest that this variant is likely to be disruptive. In summary, the available evidence is currently insufficient to determine the role of this variant in disease. Therefore, it has been classified as a Variant of Uncertain Significance.